The following is an entry in ClinVar:

ClinVar aggregate classification (germline): Pathogenic. Review status: criteria provided, multiple submitters, no conflicts (2 of 4 stars). 3 submissions from 3 submitters: Pathogenic (3). Last evaluated 2025-05-19.

Conditions:
Microcephaly 5, primary, autosomal recessive (MCPH5). Also called: ASPM Primary Microcephaly. Identifiers: Orphanet 2512, MedGen C1837501, MONDO:0012106, OMIM 608716.

Allele frequency attached by ClinVar (database versions not stated): gnomAD exomes below 0.00001 and 0.00001; TOPMed below 0.00001; ExAC 0.00002.

Submissions (3):

Labcorp Genetics (formerly Invitae), Labcorp
Classification: Pathogenic. Last evaluated: 2025-05-19. Review status: criteria provided, single submitter. Criteria: Invitae Variant Classification Sherloc (09022015). Collection method: clinical testing. Allele origin: germline.
Comment: This sequence change creates a premature translational stop signal (p.Trp3220*) in the ASPM gene. It is expected to result in an absent or disrupted protein product. Loss-of-function variants in ASPM are known to be pathogenic (PMID: 19028728, 23611254). This variant is present in population databases (rs77424753, gnomAD 0.006%). This variant has not been reported in the literature in individuals affected with ASPM-related conditions. ClinVar contains an entry for this variant (Variation ID: 1029678). For these reasons, this variant has been classified as Pathogenic.

Genome-Nilou Lab
Classification: Pathogenic for Microcephaly 5, primary, autosomal recessive. Last evaluated: 2023-04-11. Review status: criteria provided, single submitter. Criteria: ACMG Guidelines, 2015. Collection method: clinical testing. Allele origin: germline. Affected: no.

Baylor Genetics
Classification: Pathogenic for Microcephaly 5, primary, autosomal recessive. Last evaluated: 2020-10-16. Review status: criteria provided, single submitter. Criteria: ACMG Guidelines, 2015. Collection method: clinical testing. Allele origin: unknown. Affected: yes.
Comment: This variant was determined to be pathogenic according to ACMG Guidelines, 2015 [PMID:25741868].

Literature cited by the submitters: PubMed 19028728 (cited by Labcorp Genetics (formerly Invitae), Labcorp); PubMed 23611254 (cited by Labcorp Genetics (formerly Invitae), Labcorp).

NM_018136.5(ASPM):c.9659G>A (p.Trp3220Ter)

Gene: ASPM (assembly factor for spindle microtubules; minus strand). Cytogenetic location: 1q31.3.
Variant type: single nucleotide variant.
Coding change: c.9659G>A on transcript NM_018136.5 (MANE Select); coding-DNA position 9659, G replaced by A.
Protein change: p.Trp3220Ter; replaces tryptophan 3220 with a stop codon.
Molecular consequence: nonsense.
Genome position (GRCh38, 1-based): chr1:197,090,366, C>T on the plus strand (G>A on the coding strand, the complement: ASPM is on the minus strand). VCF-style: chr1-197090366-C-T. GRCh37 (hg19) VCF-style: chr1-197059496-C-T.
Other names: c.4904G>A, p.Trp1635Ter (NM_001206846.2); short protein forms W1635*, W3220*.
Identifiers: ClinVar variation 1029678 (VCV001029678.8), dbSNP rs77424753, ClinGen allele CA1308884.